The following continues an entry in ClinVar:

NM_000535.7(PMS2):c.632G>A (p.Arg211Gln)

Gene: PMS2. ClinVar aggregate classification (germline): Conflicting classifications of pathogenicity. Uncertain significance (16); Benign (1); Likely benign (1).

Submissions 14 to 22 of 22:

Genetic Services Laboratory, University of Chicago
Classification: Uncertain significance. Last evaluated: 2023-12-11. Review status: criteria provided, single submitter. Criteria: ACMG Guidelines, 2015. Collection method: clinical testing. Allele origin: germline. Affected: no.
Comment: DNA sequence analysis of the PMS2 gene demonstrated a sequence change, c.632G>A, in exon 6 that results in an amino acid change, p.Arg211Gln. This sequence change has been previously reported in several individuals with various familial cancers, including breast/ovarian cancer, biliary tract cancer, and Lynch syndrome [PMID: 27616075, 36243179, 31992580]; however, the clinical significance of this sequence change has not been conclusively determined. This sequence change has been described in the gnomAD database with a frequency of 0.0085% in the European (non-Finnish) subpopulation (dbSNP rs587781934). The p.Arg211Gln change affects a moderately conserved amino acid residue located in a domain of the PMS2 protein that is known to be functional. The p.Arg211Gln substitution appears to be benign using several in-silico pathogenicity prediction tools (SIFT, PolyPhen2, Align GVGD, REVEL). Due to insufficient evidences and the lack of functional studies, the clinical significance of the p.Arg211Gln change remains unknown at this time.

Myriad Genetics, Inc.
Classification: Uncertain significance for Lynch syndrome 4. Last evaluated: 2023-04-04. Review status: criteria provided, single submitter. Criteria: Myriad Autosomal Dominant, Autosomal Recessive and X-Linked Classification Criteria (2023). Collection method: clinical testing. Allele origin: unknown.
Comment: This variant is classified as a variant of uncertain significance as there is insufficient evidence to determine its impact on protein function and/or cancer risk.

Sema4
Classification: Uncertain significance for Hereditary cancer-predisposing syndrome. Last evaluated: 2021-12-09. Review status: criteria provided, single submitter. Criteria: Sema4 Curation Guidelines. Collection method: curation. Allele origin: germline.
Comment: The PMS2 c.632G>A (p.Arg211Gln) variant has been reported in heterozygosity in at least 5 individuals with ovarian cancer, Lynch syndrome, colorectal cancer (PMID: 27616075, 31433215, 31992580, 32628757). It has been reported in a large case-control study of breast cancer in 11/60466 cases and 10/53461 controls (PMID: 33471991). It was observed in 11/129190 chromosomes of the Non-Finnish European (NFE) subpopulation, with no homozygotes, in the large and broad cohorts of the Genome Aggregation Database (PMID: 32461654). This variant has been reported in ClinVar (Variation ID 141683). Functional studies have not been performed, and in silico predictions of the variant's effect on protein function are inconclusive. The evidence is insufficient to meet ACMG/AMP criteria for classifying the variant as benign or pathogenic. Thus, the clinical significance of this variant is currently uncertain.

Institute of Human Genetics, University of Leipzig Medical Center
Classification: Uncertain significance for Lynch syndrome 4. Last evaluated: 2019-01-01. Review status: criteria provided, single submitter. Criteria: ACMG Guidelines, 2015. Collection method: clinical testing. Allele origin: unknown. Affected: yes.

Women's Health and Genetics/Laboratory Corporation of America, LabCorp
Classification: Uncertain significance. Last evaluated: 2017-09-13. Review status: criteria provided, single submitter. Criteria: LabCorp Variant Classification Summary - May 2015. Collection method: clinical testing. Allele origin: germline.
Comment: Variant summary: The PMS2 c.632G>A (p.Arg211Gln) variant causes a missense change involving the alteration of a conserved nucleotide located in the Ribosomal protein S5 domain 2-type fold (IPR020568) (InterPro). 2/3 in silico tools predict a damaging outcome for this variant (SNPsandGO not captured due to low reliability index). This variant was found in 1/121410 control chromosomes from ExAC at a frequency of 0.0000082, which does not exceed the estimated maximal expected allele frequency of a pathogenic PMS2 variant (0.0001136). This variant has been reported and classified as a VUS in one ovarian cancer patient without strong evidence for or against pathogenicity (Kraus_2016). Multiple clinical diagnostic laboratories/reputable databases have classified this variant as uncertain significance. Taken together, this variant is classified as VUS.

Zotz-Klimas Genetics Lab, MVZ Zotz Klimas
Classification: Uncertain significance for Lynch syndrome 4. Last evaluated: 2023-10-09. Review status: no assertion criteria provided. Collection method: clinical testing. Allele origin: germline. Affected: yes. Not counted in ClinVar's aggregate classification.

University of Washington Department of Laboratory Medicine, University of Washington
Classification: Likely benign for Hereditary nonpolyposis colorectal cancer type 4. Last evaluated: 2019-11-01. Review status: no assertion criteria provided. Collection method: research. Allele origin: unknown. Affected: yes. Not counted in ClinVar's aggregate classification.
Comment: This variant is evolutionarily conserved and is predicted to be probably damaging by computer analysis with PolyPhen2 and SIFT. Based on the combined evidence this variant is considered likely benign.

Counsyl
Classification: Uncertain significance for Lynch syndrome 4. Last evaluated: 2015-12-09. Review status: no assertion criteria provided. Collection method: clinical testing. Allele origin: unknown. Not counted in ClinVar's aggregate classification.

Department of Pathology and Laboratory Medicine, Sinai Health System
Classification: Uncertain significance for Malignant tumor of breast. Review status: no assertion criteria provided. Collection method: clinical testing. Allele origin: unknown. Affected: yes. Observed: 1 variant allele. Study: The Canadian Open Genetics Repository (COGR). Not counted in ClinVar's aggregate classification.
Comment: The PMS2 p.Arg211Gln variant was not identified in the literature nor was it identified in the COGR, Cosmic, MutDB, Zhejiang University Database, or the Mismatch Repair Genes Variant Database. The variant was identified in dbSNP (ID: rs587781934) as â€šÃ„ÃºWith Uncertain significance alleleâ€šÃ„Ã¹, in ClinVar (classified as uncertain significance by Ambry Genetics, GeneDx, Invitae, Counsyl, Color Genomics), Clinvitae, and the Insight Hereditary Tumors Database (effect unknown). The variant was identified in control databases in 12 of 277218 chromosomes at a frequency of 0.00004 (Genome Aggregation Database Feb 27, 2017). The variant was identified in the following populations: African in 1 of 24024 chromosomes (freq: 0.00004), European in 11 of 126724 chromosomes (freq: 0.0001), while the variant was not observed in the Other, Latino, Ashkenazi Jewish, East Asian, Finnish, and South Asian populations. The p.Arg211 residue is conserved in mammals and computational analyses (PolyPhen-2, SIFT, AlignGVGD, BLOSUM, MutationTaster) provide inconsistent predictions regarding the impact to the protein; this information is not very predictive of pathogenicity. The variant occurs outside of the splicing consensus sequence and in silico or computational prediction software programs (SpliceSiteFinder, MaxEntScan, NNSPLICE, GeneSplicer, HumanSpliceFinder) do not predict a difference in splicing. In summary, based on the above information the clinical significance of this variant cannot be determined with certainty at this time. This variant is classified as a variant of uncertain significance.

Literature cited by the submitters: PubMed 27616075 (cited by 5 submitters); PubMed 31433215 (cited by 5 submitters); PubMed 31992580 (cited by 5 submitters); PubMed 32885271 (cited by 4 submitters); PubMed 33471991 (cited by 4 submitters); PubMed 34359559 (cited by 3 submitters); PubMed 36243179 (cited by Quest Diagnostics Nichols Institute San Juan Capistrano); PubMed 32628757 (cited by 3 submitters).